The following is an entry in ClinVar:

NM_001365999.1(SZT2):c.5011C>G (p.Pro1671Ala)

Gene: SZT2 (SZT2 subunit of KICSTOR complex; plus strand). Cytogenetic location: 1p34.2.
Variant type: single nucleotide variant.
Coding change: c.5011C>G on transcript NM_001365999.1 (MANE Select); coding-DNA position 5011, C replaced by G.
Protein change: p.Pro1671Ala; replaces proline 1671 with alanine.
Molecular consequence: missense variant.
Genome position (GRCh38, 1-based): chr1:43,431,359, C>G. VCF-style: chr1-43431359-C-G. GRCh37 (hg19) VCF-style: chr1-43897030-C-G.
Other names: c.4840C>G, p.Pro1614Ala (NM_015284.4); short protein forms P1614A, P1671A.
Identifiers: ClinVar variation 951005 (VCV000951005.9), dbSNP rs776526830, ClinGen allele CA340023191.
Genomic context (GRCh38, chr1:43,431,359, plus strand): 5'-TCCCCAGGGCAGCCATCATCTTTAAGGTCAGATGATGGCCTCGGGCCCCCACTGCCACCC[C>G]CAGAAGAGGAGAGGTACTTCTTTATCTCCCTGTCAGAGTTCATTACTGCTTTTCAATTTC-3'
Protein context (NP_001352928.1, residues 1661-1681): DDGLGPPLPP[Pro1671Ala]EEERHPGLSN

ClinVar aggregate classification (germline): Uncertain significance (1 of 4 stars; one submission).

Allele frequency attached by ClinVar (database versions not stated): TOPMed below 0.00001.

Submission:

Labcorp Genetics (formerly Invitae), Labcorp
Classification: Uncertain significance. Last evaluated: 2019-05-08. Review status: criteria provided, single submitter. Criteria: Invitae Variant Classification Sherloc (09022015). Collection method: clinical testing. Allele origin: germline.
Comment: In summary, the available evidence is currently insufficient to determine the role of this variant in disease. Therefore, it has been classified as a Variant of Uncertain Significance. This sequence change replaces proline with alanine at codon 1614 of the SZT2 protein (p.Pro1614Ala). The proline residue is highly conserved and there is a small physicochemical difference between proline and alanine. This variant is not present in population databases (ExAC no frequency). This variant has not been reported in the literature in individuals with SZT2-related conditions. Algorithms developed to predict the effect of missense changes on protein structure and function (SIFT, PolyPhen-2, Align-GVGD) all suggest that this variant is likely to be tolerated, but these predictions have not been confirmed by published functional studies and their clinical significance is uncertain.